The following is an entry in ClinVar:

ClinVar aggregate classification (germline): Uncertain significance. Review status: criteria provided, multiple submitters, no conflicts (2 of 4 stars). 2 submissions from 2 submitters: Uncertain significance (2). Last evaluated 2025-03-06.

Conditions:
INPP5E-related disorder. Also called: INPP5E-related condition.
Joubert syndrome. Also called: JOUBERT-BOLTSHAUSER SYNDROME; Familial aplasia of the vermis. Identifiers: Orphanet 475, MedGen C5979921, MONDO:0018772.

Allele frequency attached by ClinVar (database versions not stated): gnomAD 0.00001; TOPMed 0.00002.

Submissions (2):

PreventionGenetics, part of Exact Sciences
Classification: Uncertain significance for INPP5E-related condition. Last evaluated: 2025-03-06. Review status: criteria provided, single submitter. Criteria: ACMG Guidelines, 2015. Collection method: clinical testing. Allele origin: germline.
Comment: The INPP5E c.146C>T variant is predicted to result in the amino acid substitution p.Ala49Val. To our knowledge, this variant has not been reported in the literature or in a large population database (gnomAD), indicating this variant is rare. At this time, the clinical significance of this variant is uncertain due to the absence of conclusive functional and genetic evidence.

Labcorp Genetics (formerly Invitae), Labcorp
Classification: Uncertain significance for Joubert syndrome. Last evaluated: 2022-08-13. Review status: criteria provided, single submitter. Criteria: Invitae Variant Classification Sherloc (09022015). Collection method: clinical testing. Allele origin: germline.
Comment: This sequence change replaces alanine, which is neutral and non-polar, with valine, which is neutral and non-polar, at codon 49 of the INPP5E protein (p.Ala49Val). This variant is not present in population databases (gnomAD no frequency). This variant has not been reported in the literature in individuals affected with INPP5E-related conditions. Advanced modeling of protein sequence and biophysical properties (such as structural, functional, and spatial information, amino acid conservation, physicochemical variation, residue mobility, and thermodynamic stability) performed at Invitae indicates that this missense variant is not expected to disrupt INPP5E protein function. In summary, the available evidence is currently insufficient to determine the role of this variant in disease. Therefore, it has been classified as a Variant of Uncertain Significance.

NM_019892.6(INPP5E):c.146C>T (p.Ala49Val)

Gene: INPP5E (inositol polyphosphate-5-phosphatase E; minus strand). Cytogenetic location: 9q34.3.
Variant type: single nucleotide variant.
Coding change: c.146C>T on transcript NM_019892.6 (MANE Select); coding-DNA position 146, C replaced by T.
Protein change: p.Ala49Val; replaces alanine 49 with valine.
Molecular consequence: missense variant.
Genome position (GRCh38, 1-based): chr9:136,439,274, G>A on the plus strand (C>T on the coding strand, the complement: INPP5E is on the minus strand). VCF-style: chr9-136439274-G-A. GRCh37 (hg19) VCF-style: chr9-139333726-G-A.
Other names: c.146C>T, p.Ala49Val (NM_001318502.2); c.146C>T (NM_019892.5); short protein forms A49V.
Identifiers: ClinVar variation 2176028 (VCV002176028.3), dbSNP rs998603745, ClinGen allele CA201649405.
Genomic context (GRCh38, chr9:136,439,274, plus strand): 5'-GGTGCTGCTCGGGCTGGCGGGTCCTCGCCGCTGGGCGTGGCCGGAGTGCTGCAGGCAAGC[G>A]CGGGGCTCTCGGAGCCCGGAGCATCGGGTGGGGACCCCGCGCGCTGGGCCGGCGGAGCGC-3'
Protein context (NP_063945.2, residues 39-59): PPDAPGSESP[Ala49Val]LACSTPATPS